The following is an entry in ClinVar:

ClinVar aggregate classification (germline): Uncertain significance (1 of 4 stars; one submission).

Conditions:
Cardiovascular phenotype. Identifiers: MedGen CN230736.

Submission:

Ambry Genetics
Classification: Uncertain significance for Cardiovascular phenotype. Last evaluated: 2025-08-30. Review status: criteria provided, single submitter. Criteria: Ambry Variant Classification Scheme 2023. Collection method: clinical testing. Allele origin: germline.
Comment: The p.G1364R variant (also known as c.4090G>A), located in coding exon 6 of the ALPK3 gene, results from a G to A substitution at nucleotide position 4090. The glycine at codon 1364 is replaced by arginine, an amino acid with dissimilar properties. This amino acid position is conserved. In addition, the in silico prediction for this alteration is inconclusive. Based on the available evidence, the clinical significance of this variant remains unclear.

NM_020778.5(ALPK3):c.3484G>A (p.Gly1162Arg)

Gene: ALPK3 (alpha kinase 3; plus strand). Cytogenetic location: 15q25.3.
Variant type: single nucleotide variant.
Coding change: c.3484G>A on transcript NM_020778.5 (MANE Select); coding-DNA position 3484, G replaced by A.
Protein change: p.Gly1162Arg; replaces glycine 1162 with arginine.
Molecular consequence: missense variant.
Genome position (GRCh38, 1-based): chr15:84,858,222, G>A. VCF-style: chr15-84858222-G-A. GRCh37 (hg19) VCF-style: chr15-85401453-G-A.
Other names: short protein forms G1162R.
Identifiers: ClinVar variation 4089237 (VCV004089237.1).